The following is an entry in ClinVar:

ClinVar aggregate classification (germline): Uncertain significance (1 of 4 stars; one submission).

Conditions:
Hereditary nonpolyposis colorectal neoplasms. Identifiers: MedGen C0009405, MeSH D003123.

Submission:

Labcorp Genetics (formerly Invitae), Labcorp
Classification: Uncertain significance for Hereditary nonpolyposis colorectal neoplasms. Last evaluated: 2019-10-15. Review status: criteria provided, single submitter. Criteria: Invitae Variant Classification Sherloc (09022015). Collection method: clinical testing. Allele origin: germline.
Comment: This variant is not present in population databases (ExAC no frequency). This sequence change replaces alanine with proline at codon 861 of the MSH6 protein (p.Ala861Pro). The alanine residue is moderately conserved and there is a small physicochemical difference between alanine and proline. This variant has not been reported in the literature in individuals with MSH6-related conditions. In summary, the available evidence is currently insufficient to determine the role of this variant in disease. Therefore, it has been classified as a Variant of Uncertain Significance. Algorithms developed to predict the effect of missense changes on protein structure and function are either unavailable or do not agree on the potential impact of this missense change (SIFT: "Deleterious"; PolyPhen-2: "Probably Damaging"; Align-GVGD: "Class C0").

NM_000179.3(MSH6):c.2581G>C (p.Ala861Pro)

Gene: MSH6 (mutS homolog 6; plus strand). Cytogenetic location: 2p16.3.
Variant type: single nucleotide variant.
Coding change: c.2581G>C on transcript NM_000179.3 (MANE Select); coding-DNA position 2581, G replaced by C.
Protein change: p.Ala861Pro; replaces alanine 861 with proline.
Molecular consequence: missense variant.
Genome position (GRCh38, 1-based): chr2:47,800,564, G>C. VCF-style: chr2-47800564-G-C. GRCh37 (hg19) VCF-style: chr2-48027703-G-C.
Other names: c.2191G>C, p.Ala731Pro (NM_001281492.2); c.1675G>C, p.Ala559Pro (NM_001281493.2, NM_001281494.2); short protein forms A731P, A559P, A861P.
Identifiers: ClinVar variation 963786 (VCV000963786.10), dbSNP rs1669484357, ClinGen allele CA346754789.
Genomic context (GRCh38, chr2:47,800,564, plus strand): 5'-AGGGCTATAATGTATGAAGAAACTACATACAGCAAGAAGAAGATTATTGATTTTCTTTCT[G>C]CTCTGGAAGGATTCAAAGTAATGTGTAAAATTATAGGGATCATGGAAGAAGTTGCTGATG-3'
Protein context (NP_000170.1, residues 851-871): SKKKIIDFLS[Ala861Pro]LEGFKVMCKI